The following is an entry in ClinVar:

NM_014915.3(ANKRD26):c.3172A>C (p.Asn1058His)

Gene: ANKRD26 (ankyrin repeat domain 26; minus strand). Cytogenetic location: 10p12.1.
Variant type: single nucleotide variant.
Coding change: c.3172A>C on transcript NM_014915.3 (MANE Select); coding-DNA position 3172, A replaced by C.
Protein change: p.Asn1058His; replaces asparagine 1058 with histidine.
Molecular consequence: missense variant.
Genome position (GRCh38, 1-based): chr10:27,035,278, T>G on the plus strand (A>C on the coding strand, the complement: ANKRD26 is on the minus strand). VCF-style: chr10-27035278-T-G. GRCh37 (hg19) VCF-style: chr10-27324207-T-G.
Other names: c.3169A>C, p.Asn1057His (NM_001256053.2); short protein forms N1058H, N1057H.
Identifiers: ClinVar variation 4826426 (VCV004826426.1).

ClinVar aggregate classification (germline): Uncertain significance (1 of 4 stars; one submission).

Conditions:
Inborn genetic diseases. Identifiers: MedGen C0950123, MeSH D030342.

Submission:

Ambry Genetics
Classification: Uncertain significance for Inborn genetic diseases. Last evaluated: 2026-03-11. Review status: criteria provided, single submitter. Criteria: Ambry Variant Classification Scheme 2023. Collection method: clinical testing. Allele origin: germline.
Comment: The p.N1058H variant (also known as c.3172A>C), located in coding exon 24 of the ANKRD26 gene, results from an A to C substitution at nucleotide position 3172. The asparagine at codon 1058 is replaced by histidine, an amino acid with similar properties. This amino acid position is conserved. In addition, this alteration is predicted to be tolerated by in silico analysis. Based on the available evidence, the clinical significance of this variant remains unclear.